The following is an entry in ClinVar:

ClinVar aggregate classification (germline): Likely benign (1 of 4 stars; one submission).

Allele frequency attached by ClinVar (database versions not stated): TOPMed 0.00002; gnomAD exomes 0.00005.
gnomAD v4.1: 56 of 1,541,606 alleles (0.0036%); highest among the groups gnomAD compares: Non-Finnish European, 0.0041%; no homozygotes.

Submission:

GeneDx
Classification: Likely benign. Last evaluated: 2017-05-18. Review status: criteria provided, single submitter. Criteria: GeneDx Variant Classification (06012015). Collection method: clinical testing. Allele origin: germline. Affected: yes.
Comment: This variant is considered likely benign or benign based on one or more of the following criteria: it is a conservative change, it occurs at a poorly conserved position in the protein, it is predicted to be benign by multiple in silico algorithms, and/or has population frequency not consistent with disease.

NM_016035.5(COQ4):c.-12A>G

Gene: COQ4 (coenzyme Q4; plus strand). Cytogenetic location: 9q34.11.
Variant type: single nucleotide variant.
Coding change: c.-12A>G on transcript NM_016035.5 (MANE Select); 12 bases upstream of the start codon, A replaced by G.
Molecular consequence: 5 prime UTR variant.
Genome position (GRCh38, 1-based): chr9:128,322,847, A>G. VCF-style: chr9-128322847-A-G. GRCh37 (hg19) VCF-style: chr9-131085126-A-G.
Other names: c.-12A>G (NM_001305942.2).
Identifiers: ClinVar variation 509356 (VCV000509356.1), dbSNP rs759529986, ClinGen allele CA5260351.